The following is an entry in ClinVar:

ClinVar aggregate classification (germline): Uncertain significance (0 of 4 stars; one submission).

Conditions:
CDC42BPB-related disorder.

Submission:

PreventionGenetics, part of Exact Sciences
Classification: Uncertain significance for CDC42BPB-related condition. Last evaluated: 2024-08-02. Review status: no assertion criteria provided. Collection method: clinical testing. Allele origin: germline.
Comment: The CDC42BPB c.4397C>G variant is predicted to result in the amino acid substitution p.Pro1466Arg. To our knowledge, this variant has not been reported in the literature or in a large population database, indicating this variant is rare. At this time, the clinical significance of this variant is uncertain due to the absence of conclusive functional and genetic evidence.

NM_006035.4(CDC42BPB):c.4397C>G (p.Pro1466Arg)

Gene: CDC42BPB (CDC42 binding protein kinase beta; minus strand). Cytogenetic location: 14q32.32.
Variant type: single nucleotide variant.
Coding change: c.4397C>G on transcript NM_006035.4 (MANE Select); coding-DNA position 4397, C replaced by G.
Protein change: p.Pro1466Arg; replaces proline 1466 with arginine.
Molecular consequence: missense variant.
Genome position (GRCh38, 1-based): chr14:102,943,902, G>C on the plus strand (C>G on the coding strand, the complement: CDC42BPB is on the minus strand). VCF-style: chr14-102943902-G-C. GRCh37 (hg19) VCF-style: chr14-103410239-G-C.
Other names: c.4319C>G, p.Pro1440Arg (NM_001411054.1); short protein forms P1440R, P1466R.
Identifiers: ClinVar variation 3347119 (VCV003347119.1).